The following is an entry in ClinVar:

ClinVar aggregate classification (germline): Likely pathogenic (1 of 4 stars; one submission).

Conditions:
VPS13A-related neurodegenerative disease. Also called: VPS13A Disease; LEVINE-CRITCHLEY SYNDROME; Choreoacanthocytosis; ACANTHOCYTOSIS WITH NEUROLOGIC DISORDER; Chorea-acanthocytosis; Choreaacanthocytosis. Identifiers: Orphanet 2388, MedGen C0393576, MONDO:0008695, OMIM 200150.

Submission:

Neuberg Centre For Genomic Medicine, NCGM
Classification: Likely pathogenic for VPS13A-related neurodegenerative disease. Review status: criteria provided, single submitter. Criteria: ACMG Guidelines, 2015. Collection method: clinical testing. Allele origin: germline. Inheritance: Autosomal recessive inheritance. Affected: yes.
Comment: The splice site c.6379-1G>C variant has not been reported previously as a pathogenic variant nor as a benign variant, to our knowledge. The variant is novel (not in any individuals) in gnomAD and in 1000 Genomes. The nucleotide change in VPS13A is predicted as conserved by GERP++ and PhyloP across 100 vertebrates. The variant affects an invariant splice nucleotide and is expected to cause loss of function. For these reasons, this variant has been classified as Likely Pathogenic.

NM_033305.3(VPS13A):c.6379-1G>C

Gene: VPS13A (vacuolar protein sorting 13 homolog A; plus strand). Cytogenetic location: 9q21.2.
Variant type: single nucleotide variant.
Coding change: c.6379-1G>C on transcript NM_033305.3 (MANE Select); the canonical splice acceptor site of the intron before coding-DNA position 6379, G replaced by C.
Molecular consequence: splice acceptor variant.
Genome position (GRCh38, 1-based): chr9:77,339,515, G>C. VCF-style: chr9-77339515-G-C. GRCh37 (hg19) VCF-style: chr9-79954431-G-C.
Other names: c.6262-1G>C (NM_001018037.2); c.6379-1G>C (NM_015186.4, NM_001018038.3).
Identifiers: ClinVar variation 2585440 (VCV002585440.1), dbSNP rs2538074780, ClinGen allele CA373849780.